The following is an entry in ClinVar:

NM_017654.4(SAMD9):c.3519A>C (p.Arg1173Ser)

Gene: SAMD9 (sterile alpha motif domain containing 9; minus strand). Cytogenetic location: 7q21.2.
Variant type: single nucleotide variant.
Coding change: c.3519A>C on transcript NM_017654.4 (MANE Select); coding-DNA position 3519, A replaced by C.
Protein change: p.Arg1173Ser; replaces arginine 1173 with serine.
Molecular consequence: missense variant.
Genome position (GRCh38, 1-based): chr7:93,102,579, T>G on the plus strand (A>C on the coding strand, the complement: SAMD9 is on the minus strand). VCF-style: chr7-93102579-T-G. GRCh37 (hg19) VCF-style: chr7-92731892-T-G.
Other names: c.3519A>C, p.Arg1173Ser (NM_001193307.2); short protein forms R1173S.
Identifiers: ClinVar variation 734240 (VCV000734240.20), dbSNP rs566059003, ClinGen allele CA4342687.

ClinVar aggregate classification (germline): Conflicting classifications of pathogenicity. Review status: criteria provided, conflicting classifications (1 of 4 stars). 5 submissions from 5 submitters: Uncertain significance (1); Likely benign (3). 1 of the submissions does not count toward it. Last evaluated 2026-01-02.

Conditions:
Inborn genetic diseases. Identifiers: MedGen C0950123, MeSH D030342.
SAMD9-related disorder. Also called: SAMD9-related condition.

Allele frequency attached by ClinVar (database versions not stated): gnomAD 0.00005; gnomAD exomes 0.00015 and 0.00033; TOPMed 0.00020; ExAC 0.00026.

Submissions (5):

Labcorp Genetics (formerly Invitae), Labcorp
Classification: Likely benign. Last evaluated: 2026-01-02. Review status: criteria provided, single submitter. Criteria: Invitae Variant Classification Sherloc (09022015). Collection method: clinical testing. Allele origin: germline.

Ambry Genetics
Classification: Likely benign for Inborn genetic diseases. Last evaluated: 2024-11-20. Review status: criteria provided, single submitter. Criteria: Ambry Variant Classification Scheme 2023. Collection method: clinical testing. Allele origin: germline.

GeneDx
Classification: Likely benign. Last evaluated: 2021-02-04. Review status: criteria provided, single submitter. Criteria: GeneDx Variant Classification Process June 2021. Collection method: clinical testing. Allele origin: germline. Affected: yes.

Genetic Services Laboratory, University of Chicago
Classification: Uncertain significance. Last evaluated: 2020-04-30. Review status: criteria provided, single submitter. Criteria: ACMG Guidelines, 2015. Collection method: clinical testing. Allele origin: germline. Affected: no.
Comment: The sequence change, c.3519A>C, in exon 3 results in an amino acid change, p.Arg1173Ser. This sequence change does not appear to have been previously described in patients with SAMD9-related disorders and has been described in the gnomAD database with a low population frequency of 0.23% in the Latino subpopulations (dbSNP rs566059003). The p.Arg1173Ser change affects a poorly conserved amino acid residue located in a domain of the SAMD9 protein that is not known to be functional. The p.Arg1173Ser substitution appears to be benign using several in-silico pathogenicity prediction tools (SIFT, PolyPhen2, Align GVGD, REVEL). Due to these contrasting evidences and the lack of functional studies, the clinical significance of the p.Arg1173Ser change remains unknown at this time.

PreventionGenetics, part of Exact Sciences
Classification: Likely benign for SAMD9-related condition. Last evaluated: 2021-09-21. Review status: no assertion criteria provided. Collection method: clinical testing. Allele origin: germline. Not counted in ClinVar's aggregate classification.
Comment: This variant is classified as likely benign based on ACMG/AMP sequence variant interpretation guidelines (Richards et al. 2015 PMID: 25741868, with internal and published modifications).